The following is an entry in ClinVar:

ClinVar aggregate classification (germline): Likely benign (0 of 4 stars; one submission).

Conditions:
DNAH2-related disorder. Also called: DNAH2-related condition.

Allele frequency attached by ClinVar (database versions not stated): ExAC 0.00001; gnomAD exomes 0.00003.
gnomAD v4.1: 48 of 1,614,212 alleles (0.003%); highest among the groups gnomAD compares: Non-Finnish European, 0.0041%; no homozygotes.

Submission:

PreventionGenetics, part of Exact Sciences
Classification: Likely benign for DNAH2-related condition. Last evaluated: 2019-03-28. Review status: no assertion criteria provided. Collection method: clinical testing. Allele origin: germline.
Comment: This variant is classified as likely benign based on ACMG/AMP sequence variant interpretation guidelines (Richards et al. 2015 PMID: 25741868, with internal and published modifications).

NM_020877.5(DNAH2):c.-9G>T

Gene: DNAH2 (dynein axonemal heavy chain 2; plus strand). Cytogenetic location: 17p13.1.
Variant type: single nucleotide variant.
Coding change: c.-9G>T on transcript NM_020877.5 (MANE Select); 9 bases upstream of the start codon, G replaced by T.
Molecular consequence: 5 prime UTR variant.
Genome position (GRCh38, 1-based): chr17:7,719,726, G>T. VCF-style: chr17-7719726-G-T. GRCh37 (hg19) VCF-style: chr17-7623044-G-T.
Other names: c.-9G>T (NM_001303270.2).
Identifiers: ClinVar variation 3047735 (VCV003047735.2), dbSNP rs759209729, ClinGen allele CA8355728.
Genomic context (GRCh38, chr17:7,719,726, plus strand): 5'-GGCTGGTTCAGGGGTGGTATCTGCTTGTAGACTCTCCACTCCTGTATACCTGTAGGTTTT[G>T]CCTGCACGATGTCCAGCAAAGCTGAGAAGAAGCAGCGATTGAGTGGCCGAGGAAGCTCCC-3'